The following is an entry in ClinVar:

ClinVar aggregate classification (germline): Uncertain significance (1 of 4 stars; one submission).

Submission:

Labcorp Genetics (formerly Invitae), Labcorp
Classification: Uncertain significance. Last evaluated: 2025-10-27. Review status: criteria provided, single submitter. Criteria: Invitae Variant Classification Sherloc (09022015). Collection method: clinical testing. Allele origin: germline.
Comment: This sequence change replaces glutamic acid, which is acidic and polar, with valine, which is neutral and non-polar, at codon 204 of the MAD2L2 protein (p.Glu204Val). This variant is not present in population databases (gnomAD no frequency). This variant has not been reported in the literature in individuals affected with MAD2L2-related conditions. An algorithm developed to predict the effect of missense changes on protein structure and function (PolyPhen-2) suggests that this variant is likely to be tolerated. Algorithms developed to predict the effect of sequence changes on RNA splicing suggest that this variant may disrupt the consensus splice site. In summary, the available evidence is currently insufficient to determine the role of this variant in disease. Therefore, it has been classified as a Variant of Uncertain Significance.

NM_006341.4(MAD2L2):c.611A>T (p.Glu204Val)

Gene: MAD2L2 (mitotic arrest deficient 2 like 2; minus strand). Cytogenetic location: 1p36.22.
Variant type: single nucleotide variant.
Coding change: c.611A>T on transcript NM_006341.4 (MANE Select); coding-DNA position 611, A replaced by T.
Protein change: p.Glu204Val; replaces glutamic acid 204 with valine.
Molecular consequence: missense variant.
Genome position (GRCh38, 1-based): chr1:11,674,800, T>A on the plus strand (A>T on the coding strand, the complement: MAD2L2 is on the minus strand). VCF-style: chr1-11674800-T-A. GRCh37 (hg19) VCF-style: chr1-11734857-T-A.
Other names: c.611A>T, p.Glu204Val (NM_001127325.2); short protein forms E204V.
Identifiers: ClinVar variation 4729982 (VCV004729982.1).